The following is an entry in ClinVar:

NM_152415.3(VPS37A):c.577G>T (p.Ala193Ser)

Gene: VPS37A (VPS37A subunit of ESCRT-I; plus strand). Cytogenetic location: 8p22.
Variant type: single nucleotide variant.
Coding change: c.577G>T on transcript NM_152415.3 (MANE Select); coding-DNA position 577, G replaced by T.
Protein change: p.Ala193Ser; replaces alanine 193 with serine.
Molecular consequence: missense variant.
Genome position (GRCh38, 1-based): chr8:17,274,893, G>T. VCF-style: chr8-17274893-G-T. GRCh37 (hg19) VCF-style: chr8-17132402-G-T.
Other names: c.502G>T, p.Ala168Ser (NM_001145152.2); c.577G>T, p.Ala193Ser (NM_001363167.1, NM_001363173.2); c.307G>T, p.Ala103Ser (NM_001363168.1, NM_001363169.1, NM_001363170.1 and 2 more transcripts); short protein forms A193S, A103S, A168S.
Identifiers: ClinVar variation 570283 (VCV000570283.5), dbSNP rs374964443, ClinGen allele CA370401511.

ClinVar aggregate classification (germline): Uncertain significance (1 of 4 stars; one submission).

Conditions:
Hereditary spastic paraplegia 53. Also called: Spastic paraplegia 53, autosomal recessive. Identifiers: Orphanet 319199, MedGen C3539494, MONDO:0013962, OMIM 614898.

Submission:

Labcorp Genetics (formerly Invitae), Labcorp
Classification: Uncertain significance for Hereditary spastic paraplegia 53. Last evaluated: 2018-02-01. Review status: criteria provided, single submitter. Criteria: Invitae Variant Classification Sherloc (09022015). Collection method: clinical testing. Allele origin: germline.
Comment: This sequence change replaces alanine with serine at codon 193 of the VPS37A protein (p.Ala193Ser). The alanine residue is moderately conserved and there is a moderate physicochemical difference between alanine and serine. In summary, the available evidence is currently insufficient to determine the role of this variant in disease. Therefore, it has been classified as a Variant of Uncertain Significance. Algorithms developed to predict the effect of missense changes on protein structure and function do not agree on the potential impact of this missense change (SIFT: "Tolerated"; PolyPhen-2: "Possibly Damaging"; Align-GVGD: "Class C0"). This variant has not been reported in the literature in individuals with VPS37A-related disease. This variant is not present in population databases (ExAC no frequency).